The following is an entry in ClinVar:

NM_000053.4(ATP7B):c.2817G>T (p.Trp939Cys)

Gene: ATP7B (ATPase copper transporting beta; minus strand). Cytogenetic location: 13q14.3.
Variant type: single nucleotide variant.
Coding change: c.2817G>T on transcript NM_000053.4 (MANE Select); coding-DNA position 2817, G replaced by T.
Protein change: p.Trp939Cys; replaces tryptophan 939 with cysteine.
Molecular consequence: missense variant. On other transcripts: intron variant (1).
Genome position (GRCh38, 1-based): chr13:51,949,710, C>A on the plus strand (G>T on the coding strand, the complement: ATP7B is on the minus strand). VCF-style: chr13-51949710-C-A. GRCh37 (hg19) VCF-style: chr13-52523846-C-A.
Other names: p.Trp939Cys; c.2484G>T, p.Trp828Cys (NM_001243182.2); c.2583G>T, p.Trp861Cys (NM_001330578.2); c.2565G>T, p.Trp855Cys (NM_001330579.2); c.2244+297G>T (NM_001005918.3); short protein forms W939C, W828C, W855C, W861C.
Identifiers: ClinVar variation 371483 (VCV000371483.20), dbSNP rs1057517310, ClinGen allele CA16041667.

ClinVar aggregate classification (germline): Pathogenic/Likely pathogenic. Review status: criteria provided, multiple submitters, no conflicts (2 of 4 stars). 10 submissions from 10 submitters: Pathogenic (6); Likely pathogenic (3). 1 of the submissions does not count toward it. Last evaluated 2026-02-01.

Conditions:
ATP7B-related disorder. Also called: ATP7B-related condition.
Wilson disease (WND). Also called: Wilson's disease. Identifiers: Orphanet 905, MedGen C0019202, MONDO:0010200, OMIM 277900. Disease mechanism: loss of function.

Allele frequency attached by ClinVar (database versions not stated): gnomAD exomes below 0.00001.
gnomAD v4.1: 1 of 1,614,108 alleles (0.000062%); highest among the groups gnomAD compares: Non-Finnish European, 0.000085%; no homozygotes.

Submissions (10):

CeGaT Center for Human Genetics Tuebingen
Classification: Pathogenic. Last evaluated: 2026-02-01. Review status: criteria provided, single submitter. Criteria: CeGaT Center For Human Genetics Tuebingen Variant Classification Criteria Version 2. Collection method: clinical testing. Allele origin: germline. Affected: yes. Observed: 2 variant alleles.
Comment: ATP7B: PM3:Strong, PS1, PM1, PM2, PP3, PP4

Labcorp Genetics (formerly Invitae), Labcorp
Classification: Pathogenic for Wilson disease. Last evaluated: 2025-09-08. Review status: criteria provided, single submitter. Criteria: Invitae Variant Classification Sherloc (09022015). Collection method: clinical testing. Allele origin: germline.
Comment: This sequence change replaces tryptophan, which is neutral and slightly polar, with cysteine, which is neutral and slightly polar, at codon 939 of the ATP7B protein (p.Trp939Cys). This variant is not present in population databases (gnomAD no frequency). This missense change has been observed in individual(s) with Wilson disease (PMID: 23430908). It has also been observed to segregate with disease in related individuals. ClinVar contains an entry for this variant (Variation ID: 371483). Invitae Evidence Modeling of protein sequence and biophysical properties (such as structural, functional, and spatial information, amino acid conservation, physicochemical variation, residue mobility, and thermodynamic stability) indicates that this missense variant is expected to disrupt ATP7B protein function with a positive predictive value of 80%. Algorithms developed to predict the effect of sequence changes on RNA splicing suggest that this variant may disrupt the consensus splice site. For these reasons, this variant has been classified as Pathogenic.

Color Diagnostics, LLC DBA Color Health
Classification: Likely pathogenic for Wilson disease. Last evaluated: 2025-06-09. Review status: criteria provided, single submitter. Criteria: ACMG Guidelines, 2015. Collection method: clinical testing. Allele origin: germline.
Comment: This missense variant replaces tryptophan with cysteine at codon 939 of the ATP7B protein. Computational prediction suggests that this variant may have deleterious impact on protein structure and function. This variant alters a conserved tryptophan residue in the transmembrane domain M5 of the ATP7B protein (a.a. 918 - 946), a highly conserved region that is considered to be important for ATP7B protein function (PMID: 35245129ClinVar). This variant has been observed in individuals affected with autosomal recessive Wilson disease (PMID: 17272994, 22484412, 23430908, 34786177), including at least one individual in the compound heterozygous state with a second pathogenic ATP7B variant (PMID: 17272994) and in multiple individuals in the homozygous state (PMID: 23430908, 34786177). This variant has not been identified in the general population by the Genome Aggregation Database (gnomAD). Based on the available evidence, this variant is classified as Likely Pathogenic.

Natera, Inc.
Classification: Pathogenic for Wilson disease. Last evaluated: 2024-10-28. Review status: criteria provided, single submitter. Criteria: Natera Variant Classification Schema (03/2026). Collection method: clinical testing. Allele origin: germline.
Comment: The c.2817G>T variant in ATP7B is a missense variant predicted to cause substitution of tryptophan to cysteine at amino acid 939. This variant is rare in the general population with a frequency below the threshold expected for the associated phenotype(s). This variant has been observed in one or more individuals affected with the associated recessive disease, as either homozygous or compound heterozygous with a second variant (PMID: 34786177, 30232804, 17272994, 23430908). Additionally, this variant has been observed to segregate in affected family members (PMID: 23430908). Another variant at this same site results in an alteration predicted to cause a similar molecular effect has been observed in individual(s) with the associated phenotype. Computational prediction algorithms indicate this variant is likely to affect gene or protein function. Given the available evidence, this variant is classified as Pathogenic.

Blueprint Genetics
Classification: Pathogenic for ATP7B-related disorders. Last evaluated: 2024-09-25. Review status: criteria provided, single submitter. Criteria: ACMG Guidelines, 2015. Collection method: clinical testing. Allele origin: germline. Affected: yes. Observed: 5 variant alleles.

Fulgent Genetics
Classification: Likely pathogenic for Wilson disease. Last evaluated: 2024-01-10. Review status: criteria provided, single submitter. Criteria: ACMG Guidelines, 2015. Collection method: clinical testing. Allele origin: germline.

All of Us Research Program, National Institutes of Health
Classification: Likely pathogenic for Wilson disease. Last evaluated: 2023-08-15. Review status: criteria provided, single submitter. Criteria: ACMG Guidelines, 2015. Collection method: clinical testing. Allele origin: germline. Inheritance: Autosomal recessive inheritance. Observed: 1 variant allele, 1 heterozygote.
Comment: This missense variant replaces tryptophan with cysteine at codon 939 of the ATP7B protein. Computational prediction suggests that this variant may have deleterious impact on protein structure and function (internally defined REVEL score threshold >= 0.7, PMID: 27666373). Although functional studies have not been reported for this variant, it alters a conserved tryptophan residue in the transmembrane domain M5 of the ATP7B protein (a.a. 918 - 946), a highly conserved region that is considered to be important for ATP7B protein function (PMID: 35245129; ClinVar). The p.Trp939Cys variant has been observed in individuals affected with autosomal recessive Wilson disease (PMID: 17272994, 22484412, 23430908, 34786177), including at least one individual in the compound heterozygous state with a second pathogenic ATP7B variant (PMID: 17272994) and in multiple individuals in the homozygous state (PMID: 23430908, 34786177). A different DNA substitution with the same protein consequence (c.2817G>C p.Trp939Cys) has also been identified in patients with autosomal recessive Wilson disease (ClinVar variation ID: 1409871). This variant has not been identified in the general population by the Genome Aggregation Database (gnomAD). Based on the available evidence, this variant is classified as Likely Pathogenic.

This study involves interpretation of variants in research participants for the purpose of population health screening. Participant phenotype was not available at the time of variant classification. Additional details can be found in publication PMID: 35346344, PMCID: PMC8962531

Baylor Genetics
Classification: Pathogenic for Wilson disease. Last evaluated: 2023-03-07. Review status: criteria provided, single submitter. Criteria: ACMG Guidelines, 2015. Collection method: clinical testing. Allele origin: unknown.

Mayo Clinic Laboratories, Mayo Clinic
Classification: Pathogenic. Last evaluated: 2022-09-30. Review status: criteria provided, single submitter. Criteria: ACMG Guidelines, 2015. Collection method: clinical testing. Allele origin: germline. Observed: 1 variant allele.
Comment: PP1, PP3, PP4, PM2, PM3, PS4

Counsyl
Classification: Likely pathogenic for Wilson disease. Last evaluated: 2016-10-05. Review status: no assertion criteria provided. Collection method: clinical testing. Allele origin: unknown. Not counted in ClinVar's aggregate classification.

Literature cited by the submitters: PubMed 23430908 (cited by 6 submitters); PubMed 17272994 (cited by 5 submitters); PubMed 22484412 (cited by 4 submitters); PubMed 34786177 (cited by 4 submitters); PubMed 35245129 (cited by Color Diagnostics, LLC DBA Color Health and All of Us Research Program, National Institutes of Health); PubMed 30232804 (cited by Natera, Inc.); PubMed 22692182 (cited by Mayo Clinic Laboratories, Mayo Clinic); PubMed 29085216 (cited by Mayo Clinic Laboratories, Mayo Clinic); PubMed 30655162 (cited by Mayo Clinic Laboratories, Mayo Clinic).